The following is an entry in ClinVar:

NM_000143.4(FH):c.204T>C (p.Tyr68=)

Gene: FH (fumarate hydratase; minus strand). Cytogenetic location: 1q43.
Variant type: single nucleotide variant.
Coding change: c.204T>C on transcript NM_000143.4 (MANE Select); coding-DNA position 204, T replaced by C.
Protein change: p.Tyr68=; no amino-acid change (tyrosine 68 retained).
Molecular consequence: synonymous variant.
Genome position (GRCh38, 1-based): chr1:241,517,245, A>G on the plus strand (T>C on the coding strand, the complement: FH is on the minus strand). VCF-style: chr1-241517245-A-G. GRCh37 (hg19) VCF-style: chr1-241680545-A-G.
Identifiers: ClinVar variation 1105236 (VCV001105236.12), dbSNP rs1060500883, ClinGen allele CA424076595.

ClinVar aggregate classification (germline): Benign/Likely benign. Review status: criteria provided, multiple submitters, no conflicts (2 of 4 stars). 3 submissions from 3 submitters: Benign (1); Likely benign (2). Last evaluated 2025-08-17.

Conditions:
Hereditary cancer-predisposing syndrome. Also called: Neoplastic Syndromes, Hereditary; Hereditary Cancer Syndrome; Hereditary neoplastic syndrome; Tumor predisposition. Identifiers: Orphanet 140162, MedGen C0027672, MeSH D009386, MONDO:0015356.
Hereditary leiomyomatosis and renal cell cancer. Also called: Reed syndrome; Multiple cutaneous and uterine leiomyomatosis; Cutaneous leiomyomata with uterine leiomyomata; Leiomyoma, hereditary multiple, of skin; Multiple cutaneous and uterine leiomyomata; Multiple cutaneous leiomyomas. Identifiers: Orphanet 523, MedGen C1708350, MONDO:0007888, OMIM 150800, HP:0007437. Disease mechanism: loss of function.

Allele frequency attached by ClinVar (database versions not stated): TOPMed below 0.00001; gnomAD 0.00001; gnomAD exomes 0.00001.
gnomAD v4.1: 6 of 1,614,080 alleles (0.00037%); highest among the groups gnomAD compares: South Asian, 0.0022%; no homozygotes.

Submissions (3):

Labcorp Genetics (formerly Invitae), Labcorp
Classification: Likely benign. Last evaluated: 2025-08-17. Review status: criteria provided, single submitter. Criteria: Invitae Variant Classification Sherloc (09022015). Collection method: clinical testing. Allele origin: germline.

Myriad Genetics, Inc.
Classification: Benign for Hereditary leiomyomatosis and renal cell cancer. Last evaluated: 2024-10-17. Review status: criteria provided, single submitter. Criteria: Myriad Autosomal Dominant, Autosomal Recessive and X-Linked Classification Criteria (2023). Collection method: clinical testing. Allele origin: unknown.
Comment: This variant is considered benign. This variant is a silent/synonymous amino acid change and it is not expected to impact splicing.

Ambry Genetics
Classification: Likely benign for Hereditary cancer-predisposing syndrome. Last evaluated: 2021-01-29. Review status: criteria provided, single submitter. Criteria: Ambry Variant Classification Scheme 2023. Collection method: clinical testing. Allele origin: germline.